The following is an entry in ClinVar:

NC_000009.11:g.(?_141000131)_(141016451_?)dup

Gene: CACNA1B (calcium voltage-gated channel subunit alpha1 B; plus strand). Cytogenetic location: 9q34.3.
Variant type: Duplication.
Identifiers: ClinVar variation 2423364 (VCV002423364.3).

ClinVar aggregate classification (germline): Uncertain significance (1 of 4 stars; one submission).

Submission:

Labcorp Genetics (formerly Invitae), Labcorp
Classification: Uncertain significance. Last evaluated: 2022-07-13. Review status: criteria provided, single submitter. Criteria: Invitae Variant Classification Sherloc (09022015). Collection method: clinical testing. Allele origin: germline.
Comment: This variant results in a copy number gain of the genomic region encompassing exon(s) 39-47 of the CACNA1B gene. This region includes the termination codon of the gene. This copy number gain extends beyond the assayed region for this gene and therefore may encompass additional genes. As the precise location of this event is unknown, it may be in tandem or it may be located elsewhere in the genome. This variant has not been reported in the literature in individuals affected with CACNA1B-related conditions. In summary, the available evidence is currently insufficient to determine the role of this variant in disease. Therefore, it has been classified as a Variant of Uncertain Significance.